The following is an entry in ClinVar:

ClinVar aggregate classification (germline): Uncertain significance (1 of 4 stars; one submission).

gnomAD v4.1: 10 of 1,614,194 alleles (0.00062%); highest among the groups gnomAD compares: Admixed American, 0.015%; 1 homozygote.

Submission:

Labcorp Genetics (formerly Invitae), Labcorp
Classification: Uncertain significance. Last evaluated: 2024-02-24. Review status: criteria provided, single submitter. Criteria: Invitae Variant Classification Sherloc (09022015). Collection method: clinical testing. Allele origin: germline.
Comment: This sequence change replaces threonine, which is neutral and polar, with alanine, which is neutral and non-polar, at codon 424 of the CENPJ protein (p.Thr424Ala). This variant is not present in population databases (gnomAD no frequency). This missense change has been observed in individual(s) with clinical features of Seckel syndrome (PMID: 36307859). Advanced modeling of protein sequence and biophysical properties (such as structural, functional, and spatial information, amino acid conservation, physicochemical variation, residue mobility, and thermodynamic stability) performed at Invitae indicates that this missense variant is expected to disrupt CENPJ protein function with a positive predictive value of 80%. In summary, the available evidence is currently insufficient to determine the role of this variant in disease. Therefore, it has been classified as a Variant of Uncertain Significance.

Literature cited by the submitters: PubMed 36307859.

NM_018451.5(CPAP):c.1270A>G (p.Thr424Ala)

Gene: CPAP (centrosome assembly and centriole elongation protein; minus strand). Cytogenetic location: 13q12.13.
Variant type: single nucleotide variant.
Coding change: c.1270A>G on transcript NM_018451.5 (MANE Select); coding-DNA position 1270, A replaced by G.
Protein change: p.Thr424Ala; replaces threonine 424 with alanine.
Molecular consequence: missense variant. On other transcripts: non-coding transcript variant (2).
Genome position (GRCh38, 1-based): chr13:24,906,768, T>C on the plus strand (A>G on the coding strand, the complement: CPAP is on the minus strand). VCF-style: chr13-24906768-T-C. GRCh37 (hg19) VCF-style: chr13-25480906-T-C.
Other names: short protein forms T424A.
Identifiers: ClinVar variation 3627740 (VCV003627740.1).